The following is an entry in ClinVar:

ClinVar aggregate classification (germline): Uncertain significance (1 of 4 stars; one submission).

Conditions:
Hereditary cancer-predisposing syndrome. Also called: Neoplastic Syndromes, Hereditary; Tumor predisposition; Hereditary Cancer Syndrome; Hereditary neoplastic syndrome. Identifiers: Orphanet 140162, MedGen C0027672, MeSH D009386, MONDO:0015356.

Submission:

Ambry Genetics
Classification: Uncertain significance for Hereditary cancer-predisposing syndrome. Last evaluated: 2026-04-22. Review status: criteria provided, single submitter. Criteria: Ambry Variant Classification Scheme 2023. Collection method: clinical testing. Allele origin: germline.
Comment: The p.S838C variant (also known as c.2512A>T), located in coding exon 18 of the TSC1 gene, results from an A to T substitution at nucleotide position 2512. The serine at codon 838 is replaced by cysteine, an amino acid with dissimilar properties. This amino acid position is conserved. In addition, the in silico prediction for this alteration is inconclusive. Based on the available evidence, the clinical significance of this variant remains unclear.

NM_000368.5(TSC1):c.2512A>T (p.Ser838Cys)

Gene: TSC1 (TSC complex subunit 1; minus strand). Cytogenetic location: 9q34.13.
Variant type: single nucleotide variant.
Coding change: c.2512A>T on transcript NM_000368.5 (MANE Select); coding-DNA position 2512, A replaced by T.
Protein change: p.Ser838Cys; replaces serine 838 with cysteine.
Molecular consequence: missense variant. On other transcripts: non-coding transcript variant (5).
Genome position (GRCh38, 1-based): chr9:132,900,828, T>A on the plus strand (A>T on the coding strand, the complement: TSC1 is on the minus strand). VCF-style: chr9-132900828-T-A. GRCh37 (hg19) VCF-style: chr9-135776215-T-A.
Other names: c.2146A>T, p.Ser716Cys (NM_001406620.1, NM_001406621.1, NM_001406622.1 and 1 more transcripts); c.2107A>T, p.Ser703Cys (NM_001406624.1); c.2104A>T, p.Ser702Cys (NM_001406625.1); c.1561A>T, p.Ser521Cys (NM_001406626.1); c.1558A>T, p.Ser520Cys (NM_001406627.1, NM_001406628.1); c.1459A>T, p.Ser487Cys (NM_001406629.1, NM_001406630.1); c.2509A>T, p.Ser837Cys (NM_001162426.2, NM_001406597.1, NM_001406598.1 and 2 more transcripts); c.2359A>T, p.Ser787Cys (NM_001162427.2, NM_001406610.1); and 8 more; short protein forms S487C, S520C, S521C, S702C, S703C, S716C, S717C, S772C.
Identifiers: ClinVar variation 4866028 (VCV004866028.1).